The following is an entry in ClinVar:

ClinVar aggregate classification (germline): Uncertain significance (1 of 4 stars; one submission).

Conditions:
MED12L-related disorder. Also called: MED12L-related condition.

gnomAD v4.1: 1 of 1,613,950 alleles (0.000062%); highest among the groups gnomAD compares: East Asian, 0.0022%; no homozygotes.

Submission:

PreventionGenetics, part of Exact Sciences
Classification: Uncertain significance for MED12L-related condition. Last evaluated: 2025-06-07. Review status: criteria provided, single submitter. Criteria: ACMG Guidelines, 2015. Collection method: clinical testing. Allele origin: germline.
Comment: The MED12L c.4134G>A variant is predicted to result in the amino acid substitution p.Met1378Ile. To our knowledge, this variant has not been reported in the literature. This variant is reported in 0.064% of alleles in individuals of East Asian descent in gnomAD. At this time, the clinical significance of this variant is uncertain due to the absence of conclusive functional and genetic evidence.

NM_001393769.1(MED12L):c.4239G>A (p.Met1413Ile)

Genes: MED12L (mediator complex subunit 12L; plus strand), P2RY12 (purinergic receptor P2Y12; minus strand). Cytogenetic location: 3q25.1.
Variant type: single nucleotide variant.
Coding change: c.4239G>A on transcript NM_001393769.1 (MANE Select); coding-DNA position 4239, G replaced by A.
Protein change: p.Met1413Ile; replaces methionine 1413 with isoleucine.
Molecular consequence: missense variant. On other transcripts: intron variant (1).
Genome position (GRCh38, 1-based): chr3:151,377,101, G>A. VCF-style: chr3-151377101-G-A. GRCh37 (hg19) VCF-style: chr3-151094889-G-A.
Other names: c.4134G>A, p.Met1378Ile (NM_053002.6); c.-180+7591C>T (NM_022788.5); short protein forms M1378I, M1413I.
Identifiers: ClinVar variation 4984447 (VCV004984447.1).